The following is an entry in ClinVar:

ClinVar aggregate classification (germline): Pathogenic (1 of 4 stars; one submission).

Conditions:
Mucopolysaccharidosis, MPS-III-C (MPS3C). Also called: MPS III C; Mucopolysaccharidosis type IIIC (Sanfilippo C); SANFILIPPO SYNDROME C; MUCOPOLYSACCHARIDOSIS, TYPE IIIC; mucopolysaccharidosis type 3C; MPS IIIC (Sanfilippo Syndrome Type C). Identifiers: Orphanet 581, Orphanet 79271, MedGen C0086649, MONDO:0009657, OMIM 252930.
Retinitis pigmentosa 73 (RP73). Identifiers: Orphanet 791, MedGen C4225287, MONDO:0014687, OMIM 616544.

Submission:

Labcorp Genetics (formerly Invitae), Labcorp
Classification: Pathogenic for Retinitis pigmentosa 73; Mucopolysaccharidosis, MPS-III-C. Last evaluated: 2025-11-10. Review status: criteria provided, single submitter. Criteria: Invitae Variant Classification Sherloc (09022015). Collection method: clinical testing. Allele origin: germline.
Comment: This sequence change creates a premature translational stop signal (p.Leu504Profs*23) in the HGSNAT gene. It is expected to result in an absent or disrupted protein product. Loss-of-function variants in HGSNAT are known to be pathogenic (PMID: 17033958, 19479962, 25859010). This variant is not present in population databases (gnomAD no frequency). This variant has not been reported in the literature in individuals affected with HGSNAT-related conditions. ClinVar contains an entry for this variant (Variation ID: 1069082). For these reasons, this variant has been classified as Pathogenic.

Literature cited by the submitters: PubMed 17033958; PubMed 19479962; PubMed 25859010.

NM_152419.3(HGSNAT):c.1508dup (p.Leu504fs)

Gene: HGSNAT (heparan-alpha-glucosaminide N-acetyltransferase; plus strand). Cytogenetic location: 8p11.21.
Variant type: Duplication.
Coding change: c.1508dup on transcript NM_152419.3 (MANE Select); coding-DNA position 1508, one base duplicated (T; older notation c.1508dupT).
Protein change: p.Leu504fs; shifts the reading frame from leucine 504.
Molecular consequence: frameshift variant.
Genome position (GRCh38, 1-based): chr8:43,196,991, T duplicated. VCF-style (leftmost placement, unchanged base first): chr8-43196990-A-AT. GRCh37 (hg19) VCF-style: chr8-43052133-A-AT.
Other names: c.1595dup, p.Leu533fs (NM_001363227.2); c.1316dup, p.Leu440fs (NM_001363228.2); c.644dup, p.Leu216fs (NM_001363229.2); short protein forms L216fs, L440fs, L504fs, L533fs.
Identifiers: ClinVar variation 1069082 (VCV001069082.5), dbSNP rs2130819661, ClinGen allele CA2499219322.